The following is an entry in ClinVar:

ClinVar aggregate classification (germline): Uncertain significance (1 of 4 stars; one submission).

Submission:

Labcorp Genetics (formerly Invitae), Labcorp
Classification: Uncertain significance. Last evaluated: 2023-05-20. Review status: criteria provided, single submitter. Criteria: Invitae Variant Classification Sherloc (09022015). Collection method: clinical testing. Allele origin: germline.
Comment: Experimental studies and prediction algorithms are not available or were not evaluated, and the functional significance of this variant is currently unknown. In summary, the available evidence is currently insufficient to determine the role of this variant in disease. Therefore, it has been classified as a Variant of Uncertain Significance. This variant has not been reported in the literature in individuals affected with COL2A1-related conditions. Information on the frequency of this variant in the gnomAD database is not available, as this variant may be reported differently in the database. This variant, c.339_340delinsTT, is a complex sequence change that results in the deletion of 2 and insertion of 2 amino acid(s) in the COL2A1 protein (p.Lys113_Asp114delinsAsnTyr).

NM_001844.5(COL2A1):c.339_340delinsTT (p.Lys113_Asp114delinsAsnTyr)

Gene: COL2A1 (collagen type II alpha 1 chain; minus strand). Cytogenetic location: 12q13.11.
Variant type: Indel.
Coding change: c.339_340delinsTT on transcript NM_001844.5 (MANE Select); coding-DNA positions 339 to 340, GG replaced by TT.
Protein change: p.Lys113_Asp114delinsAsnTyr.
Molecular consequence: missense variant.
Genome position (GRCh38, 1-based): chr12:47,998,171-47,998,172, CC replaced by AA on the plus strand (GG replaced by TT on the coding strand, the reverse complement: COL2A1 is on the minus strand). VCF-style: chr12-47998171-CC-AA. GRCh37 (hg19) VCF-style: chr12-48391954-CC-AA.
Other names: c.132_133delinsTT, p.Lys44_Asp45delinsAsnTyr (NM_033150.3).
Identifiers: ClinVar variation 2866477 (VCV002866477.3), dbSNP rs2540182723, ClinGen allele CA2739271961.
Genomic context (GRCh38, chr12:47,998,171, plus strand): 5'-GGAAATGACCCATTTAGAGCAGCAGCTGCAATACCGGGTGAGAATAATTTGCACTTACAT[CC>AA]TTGATGTCTCCAGGTTCTCCTTTCTGTCCCTGAAACATGAAACATTCACAGGATTAAGCC-3'